The following is an entry in ClinVar:

NM_004991.4(MECOM):c.1304C>T (p.Ala435Val)

Gene: MECOM (MDS1 and EVI1 complex locus; minus strand). Cytogenetic location: 3q26.2.
Variant type: single nucleotide variant.
Coding change: c.1304C>T on transcript NM_004991.4 (MANE Select); coding-DNA position 1304, C replaced by T.
Protein change: p.Ala435Val; replaces alanine 435 with valine.
Molecular consequence: missense variant. On other transcripts: intron variant (2).
Genome position (GRCh38, 1-based): chr3:169,116,568, G>A on the plus strand (C>T on the coding strand, the complement: MECOM is on the minus strand). VCF-style: chr3-169116568-G-A. GRCh37 (hg19) VCF-style: chr3-168834356-G-A.
Other names: c.740C>T, p.Ala247Val (NM_005241.4, NM_001105078.4, NM_001164000.2 and 4 more transcripts); c.1133-801C>T (NM_001366473.2); c.569-801C>T (NM_001366474.2); c.935C>T, p.Ala312Val (NM_001105077.4); c.743C>T, p.Ala248Val (NM_001163999.2, NM_001366467.2, NM_001366468.2 and 1 more transcripts); c.1304C>T, p.Ala435Val (NM_001366466.2); short protein forms A247V, A248V, A312V, A435V.
Identifiers: ClinVar variation 4105774 (VCV004105774.1).

ClinVar aggregate classification (germline): Uncertain significance (1 of 4 stars; one submission).

Conditions:
Inborn genetic diseases. Identifiers: MedGen C0950123, MeSH D030342.

Submission:

Ambry Genetics
Classification: Uncertain significance for Inborn genetic diseases. Last evaluated: 2025-07-16. Review status: criteria provided, single submitter. Criteria: Ambry Variant Classification Scheme 2023. Collection method: clinical testing. Allele origin: germline.
Comment: The p.A435V variant (also known as c.1304C>T), located in coding exon 8 of the MECOM gene, results from a C to T substitution at nucleotide position 1304. The alanine at codon 435 is replaced by valine, an amino acid with similar properties. This amino acid position is conserved. In addition, the in silico prediction for this alteration is inconclusive. Based on the available evidence, the clinical significance of this variant remains unclear.